The following is an entry in ClinVar:

ClinVar aggregate classification (germline): Conflicting classifications of pathogenicity. Review status: criteria provided, conflicting classifications (1 of 4 stars). 7 submissions from 7 submitters: Uncertain significance (1); Likely benign (3). 3 of the submissions do not count toward it. Last evaluated 2026-03-23.

Conditions:
Inflammatory bowel disease 25. Also called: Inflammatory bowel disease 25, early onset, autosomal recessive. Identifiers: Orphanet 238569, MedGen C2675508, MONDO:0012941, OMIM 612567.
IL10RB-related disorder. Also called: IL10RB-related condition.
Inborn genetic diseases. Identifiers: MedGen C0950123, MeSH D030342.

Allele frequency attached by ClinVar (database versions not stated): gnomAD exomes 0.00110 and 0.00113; ExAC 0.00113; gnomAD 0.00117 and 0.00125; TOPMed 0.00126; ESP Exome Variant Server 0.00138.
gnomAD v4.1: 1,785 of 1,613,568 alleles (0.11%); highest among the groups gnomAD compares: Middle Eastern, 0.25%; 7 homozygotes.

Submissions (7):

Ambry Genetics
Classification: Likely benign for Inborn genetic diseases. Last evaluated: 2026-03-23. Review status: criteria provided, single submitter. Criteria: Ambry Variant Classification Scheme 2023. Collection method: clinical testing. Allele origin: germline.

Labcorp Genetics (formerly Invitae), Labcorp
Classification: Likely benign for Inflammatory bowel disease 25. Last evaluated: 2026-02-01. Review status: criteria provided, single submitter. Criteria: Invitae Variant Classification Sherloc (09022015). Collection method: clinical testing. Allele origin: germline.

CeGaT Center for Human Genetics Tuebingen
Classification: Likely benign. Last evaluated: 2025-09-01. Review status: criteria provided, single submitter. Criteria: CeGaT Center For Human Genetics Tuebingen Variant Classification Criteria Version 2. Collection method: clinical testing. Allele origin: germline. Affected: yes. Observed: 7 variant alleles.
Comment: IL10RB: BP4, BS2

Illumina Laboratory Services, Illumina
Classification: Uncertain significance for Inflammatory bowel disease 25. Last evaluated: 2018-01-13. Review status: criteria provided, single submitter. Criteria: ICSL Variant Classification Criteria 13 December 2019. Collection method: clinical testing. Allele origin: germline.

PreventionGenetics, part of Exact Sciences
Classification: Likely benign for IL10RB-related condition. Last evaluated: 2024-01-28. Review status: no assertion criteria provided. Collection method: clinical testing. Allele origin: germline. Not counted in ClinVar's aggregate classification.
Comment: This variant is classified as likely benign based on ACMG/AMP sequence variant interpretation guidelines (Richards et al. 2015 PMID: 25741868, with internal and published modifications).

Clinical Genetics DNA and cytogenetics Diagnostics Lab, Erasmus MC, Erasmus Medical Center
Classification: Likely benign. Review status: no assertion criteria provided. Collection method: clinical testing. Allele origin: germline. Affected: yes. Study: VKGL Data-share Consensus. Not counted in ClinVar's aggregate classification.

Genome Diagnostics Laboratory, University Medical Center Utrecht
Classification: Likely benign. Review status: no assertion criteria provided. Collection method: clinical testing. Allele origin: germline. Affected: yes. Study: VKGL Data-share Consensus. Not counted in ClinVar's aggregate classification.

NM_000628.5(IL10RB):c.442G>A (p.Val148Met)

Genes: IFNAR2-IL10RB (IFNAR2-IL10RB readthrough; plus strand), IL10RB (interleukin 10 receptor subunit beta; plus strand). Cytogenetic location: 21q22.11.
Variant type: single nucleotide variant.
Coding change: c.442G>A on transcript NM_000628.5 (MANE Select); coding-DNA position 442, G replaced by A.
Protein change: p.Val148Met; replaces valine 148 with methionine.
Molecular consequence: missense variant.
Genome position (GRCh38, 1-based): chr21:33,279,862, G>A. VCF-style: chr21-33279862-G-A. GRCh37 (hg19) VCF-style: chr21-34652167-G-A.
Other names: c.442G>A (NM_000628.3); short protein forms V148M.
Identifiers: ClinVar variation 537180 (VCV000537180.60), dbSNP rs45545138, ClinGen allele CA10006141.